The following is an entry in ClinVar:

ClinVar aggregate classification (germline): Conflicting classifications of pathogenicity. Review status: criteria provided, conflicting classifications (1 of 4 stars). 9 submissions from 9 submitters: Uncertain significance (2); Benign (1); Likely benign (5). 1 of the submissions does not count toward it. Last evaluated 2026-09-01.

Conditions:
Mitochondrial complex I deficiency, nuclear type 21. Also called: Mitochondrial complex 1 deficiency, nuclear type 21. Identifiers: MedGen C4748792, MONDO:0032625, OMIM 618242.
Mitochondrial complex I deficiency, nuclear type 1. Also called: NADH-COENZYME Q REDUCTASE DEFICIENCY; MITOCHONDRIAL NADH DEHYDROGENASE COMPONENT OF COMPLEX I, DEFICIENCY OF. Identifiers: MedGen C6022305, MONDO:0100224, OMIM 252010.
NUBPL-related disorder. Also called: NUBPL-related condition.
Mitochondrial complex I deficiency. Also called: NADH:Q(1) OXIDOREDUCTASE DEFICIENCY. Identifiers: Orphanet 2609, MedGen C1838979, MeSH C537475, MONDO:0100133.
Inborn genetic diseases. Identifiers: MedGen C0950123, MeSH D030342.

Allele frequency attached by ClinVar (database versions not stated): 1000 Genomes Project 30x 0.00203; 1000 Genomes Project 0.00220; TOPMed 0.00390; gnomAD exomes 0.00417; ExAC 0.00441; gnomAD 0.00441 and 0.00480; ESP Exome Variant Server 0.00463.
gnomAD v4.1: 8,332 of 1,607,730 alleles (0.52%); highest among the groups gnomAD compares: Non-Finnish European, 0.6%; 28 homozygotes.

Submissions (9):

CeGaT Center for Human Genetics Tuebingen
Classification: Likely benign. Last evaluated: 2026-09-01. Review status: criteria provided, single submitter. Criteria: CeGaT Center For Human Genetics Tuebingen Variant Classification Criteria Version 2. Collection method: clinical testing. Allele origin: germline. Affected: yes. Observed: 29 variant alleles.
Comment: NUBPL: BS2

Labcorp Genetics (formerly Invitae), Labcorp
Classification: Likely benign. Last evaluated: 2026-01-20. Review status: criteria provided, single submitter. Criteria: Invitae Variant Classification Sherloc (09022015). Collection method: clinical testing. Allele origin: germline.

Mayo Clinic Laboratories, Mayo Clinic
Classification: Benign. Last evaluated: 2024-12-03. Review status: criteria provided, single submitter. Criteria: ACMG Guidelines, 2015. Collection method: clinical testing. Allele origin: germline. Observed: 15 variant alleles.
Comment: BA1, BP4

Department of Pathology and Laboratory Medicine, Sinai Health System
Classification: Likely benign for Mitochondrial complex I deficiency, nuclear type 21. Last evaluated: 2022-03-25. Review status: criteria provided, single submitter. Criteria: ACMG Guidelines, 2015. Collection method: research. Allele origin: germline.

Genomic Research Center, Shahid Beheshti University of Medical Sciences
Classification: Likely benign for Mitochondrial complex I deficiency. Last evaluated: 2018-03-05. Review status: criteria provided, single submitter. Criteria: ACMG Guidelines, 2015. Collection method: clinical testing. Allele origin: inherited. Affected: no. Observed: 1 variant allele.

Illumina Laboratory Services, Illumina
Classification: Uncertain significance for Mitochondrial complex I deficiency, nuclear type 1. Last evaluated: 2018-01-12. Review status: criteria provided, single submitter. Criteria: ICSL Variant Classification Criteria 13 December 2019. Collection method: clinical testing. Allele origin: germline.

Ambry Genetics
Classification: Uncertain significance for Inborn genetic diseases. Last evaluated: 2016-11-29. Review status: criteria provided, single submitter. Criteria: Ambry exome assertion method (8-5-2015). Collection method: clinical testing. Allele origin: germline. Affected: yes. Observed: 1 variant allele.

Center for Pediatric Genomic Medicine, Children's Mercy Hospital and Clinics
Classification: Likely benign. Last evaluated: 2016-09-14. Review status: criteria provided, single submitter. Criteria: ACMG Guidelines, 2015. Collection method: clinical testing. Allele origin: germline.
ClinVar note: Converted during submission from Likely Benign to Likely benign.

PreventionGenetics, part of Exact Sciences
Classification: Likely benign for NUBPL-related condition. Last evaluated: 2020-02-25. Review status: no assertion criteria provided. Collection method: clinical testing. Allele origin: germline. Not counted in ClinVar's aggregate classification.
Comment: This variant is classified as likely benign based on ACMG/AMP sequence variant interpretation guidelines (Richards et al. 2015 PMID: 25741868, with internal and published modifications).

NM_025152.3(NUBPL):c.593A>C (p.Asn198Thr)

Gene: NUBPL (NUBP iron-sulfur cluster assembly factor, mitochondrial; plus strand). Cytogenetic location: 14q12.
Variant type: single nucleotide variant.
Coding change: c.593A>C on transcript NM_025152.3 (MANE Select); coding-DNA position 593, A replaced by C.
Protein change: p.Asn198Thr; replaces asparagine 198 with threonine.
Molecular consequence: missense variant.
Genome position (GRCh38, 1-based): chr14:31,787,859, A>C. VCF-style: chr14-31787859-A-C. GRCh37 (hg19) VCF-style: chr14-32257065-A-C.
Other names: c.305A>C, p.Asn102Thr (NM_001201573.2); c.44A>C, p.Asn15Thr (NM_001201574.2); short protein forms N198T, N102T, N15T.
Identifiers: ClinVar variation 214875 (VCV000214875.60), dbSNP rs11558436, ClinGen allele CA323390.